The following is an entry in ClinVar:

ClinVar aggregate classification (germline): Benign/Likely benign. Review status: criteria provided, multiple submitters, no conflicts (2 of 4 stars). 12 submissions from 12 submitters: Benign (8); Likely benign (3). 1 of the submissions does not count toward it. Last evaluated 2026-04-01.

Conditions:
Early-infantile DEE. Also called: Early infantile epileptic encephalopathy; Early infantile epileptic encephalopathy with suppression bursts; Ohtahara syndrome. Identifiers: Orphanet 1934, MedGen C0393706, MONDO:0800491.
Inborn genetic diseases. Identifiers: MedGen C0950123, MeSH D030342.
Developmental and epileptic encephalopathy, 5 (DEE5). Identifiers: Orphanet 3451, MedGen C3150731, MONDO:0013277, OMIM 613477.

Allele frequency attached by ClinVar (database versions not stated): 1000 Genomes Project 30x 0.00156; ESP Exome Variant Server 0.00161; gnomAD 0.00170 and 0.00175; 1000 Genomes Project 0.00200; TOPMed 0.00203.

Submissions (12):

CeGaT Center for Human Genetics Tuebingen
Classification: Likely benign. Last evaluated: 2026-04-01. Review status: criteria provided, single submitter. Criteria: CeGaT Center For Human Genetics Tuebingen Variant Classification Criteria Version 2. Collection method: clinical testing. Allele origin: germline. Affected: yes. Observed: 3 variant alleles.
Comment: SPTAN1: BP4, BP7, BS1

Labcorp Genetics (formerly Invitae), Labcorp
Classification: Benign for Early-infantile DEE. Last evaluated: 2026-02-03. Review status: criteria provided, single submitter. Criteria: Invitae Variant Classification Sherloc (09022015). Collection method: clinical testing. Allele origin: germline.

Mayo Clinic Laboratories, Mayo Clinic
Classification: Benign. Last evaluated: 2025-07-17. Review status: criteria provided, single submitter. Criteria: ACMG Guidelines, 2015. Collection method: clinical testing. Allele origin: germline. Observed: 1 variant allele.
Comment: BA1

Blueprint Genetics
Classification: Likely benign. Last evaluated: 2024-11-08. Review status: criteria provided, single submitter. Criteria: ACMG Guidelines, 2015. Collection method: clinical testing. Allele origin: germline.

Center for Genomics, Ann and Robert H. Lurie Children's Hospital of Chicago
Classification: Likely benign for Developmental and epileptic encephalopathy, 5. Last evaluated: 2022-08-18. Review status: criteria provided, single submitter. Criteria: ACMG Guidelines, 2015. Collection method: clinical testing. Allele origin: germline.
Comment: This variant has not been reported in the literature but is present in the Genome Aggregation Database (Highest reported MAF 0.4% (190/41396). This variant is present in ClinVar, with several labs classifying this variant as Benign (Variation ID:139282). Evolutionary conservation and computational predictive tools for this variant are limited or unavailable. Of note, this variant is a silent variant and does not change the amino acid, reducing the probability that this variant is disease causing. In summary, data on this variant suggests that this variant does not cause disease but requires further evidence. Therefore, this variant is classified as likely benign.

Genome-Nilou Lab
Classification: Benign for Developmental and epileptic encephalopathy, 5. Last evaluated: 2021-07-15. Review status: criteria provided, single submitter. Criteria: ACMG Guidelines, 2015. Collection method: clinical testing. Allele origin: germline. Affected: no.

Athena Diagnostics
Classification: Benign. Last evaluated: 2018-11-21. Review status: criteria provided, single submitter. Criteria: Athena Diagnostics Criteria. Collection method: clinical testing. Allele origin: germline.

Ambry Genetics
Classification: Benign for Inborn genetic diseases. Last evaluated: 2016-08-19. Review status: criteria provided, single submitter. Criteria: Ambry Variant Classification Scheme 2023. Collection method: clinical testing. Allele origin: germline.

Eurofins Ntd Llc (ga)
Classification: Benign. Last evaluated: 2015-03-13. Review status: criteria provided, single submitter. Criteria: EGL Classification Definitions 2015. Collection method: clinical testing. Allele origin: germline. Observed: 1 variant allele, 1 heterozygote.

GeneDx
Classification: Benign. Last evaluated: 2013-07-25. Review status: criteria provided, single submitter. Criteria: GeneDx Variant Classification (06012015). Collection method: clinical testing. Allele origin: germline. Affected: yes.
Comment: This variant is considered likely benign or benign based on one or more of the following criteria: it is a conservative change, it occurs at a poorly conserved position in the protein, it is predicted to be benign by multiple in silico algorithms, and/or has population frequency not consistent with disease.

Breakthrough Genomics
Classification: Benign. Review status: criteria provided, single submitter. Criteria: ACMG Guidelines, 2015. Collection method: not provided. Allele origin: germline. Inheritance: Autosomal dominant inheritance. Affected: yes.

Genetic Services Laboratory, University of Chicago
Classification: Likely benign. Review status: no assertion criteria provided. Collection method: clinical testing. Allele origin: germline. Inheritance: Autosomal dominant inheritance. Not counted in ClinVar's aggregate classification.
Comment: Likely benign based on allele frequency in 1000 Genomes Project or ESP global frequency and its presence in a patient with a rare or unrelated disease phenotype. NOT Sanger confirmed

NM_001130438.3(SPTAN1):c.3051G>A (p.Pro1017=)

Gene: SPTAN1 (spectrin alpha, non-erythrocytic 1; plus strand). Cytogenetic location: 9q34.11.
Variant type: single nucleotide variant.
Coding change: c.3051G>A on transcript NM_001130438.3 (MANE Select); coding-DNA position 3051, G replaced by A.
Protein change: p.Pro1017=; no amino-acid change (proline 1017 retained).
Molecular consequence: synonymous variant.
Genome position (GRCh38, 1-based): chr9:128,591,521, G>A. VCF-style: chr9-128591521-G-A. GRCh37 (hg19) VCF-style: chr9-131353800-G-A.
Other names: p.P1017P:CCG>CCA; p.Pro1017=; c.3051G>A, p.Pro1017= (NM_001195532.2, NM_001363759.2, NM_001363765.2 and 1 more transcripts).
Identifiers: ClinVar variation 139282 (VCV000139282.43), dbSNP rs140279996, ClinGen allele CA295179.